The following is an entry in ClinVar:

ClinVar aggregate classification (germline): Uncertain significance. Review status: criteria provided, multiple submitters, no conflicts (2 of 4 stars). 2 submissions from 2 submitters: Uncertain significance (2). Last evaluated 2025-08-11.

Conditions:
Early-infantile DEE. Also called: Early infantile epileptic encephalopathy with suppression bursts; Early infantile epileptic encephalopathy; Ohtahara syndrome. Identifiers: Orphanet 1934, MedGen C0393706, MONDO:0800491.
Inborn genetic diseases. Identifiers: MedGen C0950123, MeSH D030342.

Allele frequency attached by ClinVar (database versions not stated): ExAC 0.00001; gnomAD 0.00001; gnomAD exomes 0.00001; TOPMed 0.00005; 1000 Genomes Project 30x 0.00016; 1000 Genomes Project 0.00020.
gnomAD v4.1: 7 of 1,595,686 alleles (0.00044%); highest among the groups gnomAD compares: Admixed American, 0.01%; no homozygotes.

Submissions (2):

Labcorp Genetics (formerly Invitae), Labcorp
Classification: Uncertain significance for Early-infantile DEE. Last evaluated: 2025-08-11. Review status: criteria provided, single submitter. Criteria: Invitae Variant Classification Sherloc (09022015). Collection method: clinical testing. Allele origin: germline.
Comment: This sequence change replaces alanine, which is neutral and non-polar, with serine, which is neutral and polar, at codon 930 of the KCNH5 protein (p.Ala930Ser). This variant is present in population databases (rs202201734, gnomAD 0.006%). This variant has not been reported in the literature in individuals affected with KCNH5-related conditions. ClinVar contains an entry for this variant (Variation ID: 1356673). Invitae Evidence Modeling of protein sequence and biophysical properties (such as structural, functional, and spatial information, amino acid conservation, physicochemical variation, residue mobility, and thermodynamic stability) indicates that this missense variant is not expected to disrupt KCNH5 protein function with a negative predictive value of 95%. In summary, the available evidence is currently insufficient to determine the role of this variant in disease. Therefore, it has been classified as a Variant of Uncertain Significance.

Ambry Genetics
Classification: Uncertain significance for Inborn genetic diseases. Last evaluated: 2024-11-13. Review status: criteria provided, single submitter. Criteria: Ambry Variant Classification Scheme 2023. Collection method: clinical testing. Allele origin: germline.

NM_139318.5(KCNH5):c.2788G>T (p.Ala930Ser)

Gene: KCNH5 (potassium voltage-gated channel subfamily H member 5; minus strand). Cytogenetic location: 14q23.2.
Variant type: single nucleotide variant.
Coding change: c.2788G>T on transcript NM_139318.5 (MANE Select); coding-DNA position 2788, G replaced by T.
Protein change: p.Ala930Ser; replaces alanine 930 with serine.
Molecular consequence: missense variant. On other transcripts: 3 prime UTR variant (1).
Genome position (GRCh38, 1-based): chr14:62,707,687, C>A on the plus strand (G>T on the coding strand, the complement: KCNH5 is on the minus strand). VCF-style: chr14-62707687-C-A. GRCh37 (hg19) VCF-style: chr14-63174405-C-A.
Other names: c.*755G>T (NM_172375.3); c.2788G>T (NM_139318.3); short protein forms A930S.
Identifiers: ClinVar variation 1356673 (VCV001356673.8), dbSNP rs202201734, ClinGen allele CA7217188.
Genomic context (GRCh38, chr14:62,707,687, plus strand): 5'-CCTGGGGTACGCTTTTTTCCGACAGTATTTTTAAAATTTCTGCCACCTGCTTTTCTAGGG[C>A]AGTCATTCTGCAGCTGAGCAGCTGGATGTCCTCTTTGAGTTCGTGTTTGACTTCCTGCAG-3'
Protein context (NP_647479.2, residues 920-940): DIQLLSCRMT[Ala930Ser]LEKQVAEILK